The following is an entry in ClinVar:

NM_000531.6(OTC):c.959G>C (p.Arg320Pro)

Gene: OTC (ornithine transcarbamylase; plus strand). Cytogenetic location: Xp11.4.
Variant type: single nucleotide variant.
Coding change: c.959G>C on transcript NM_000531.6 (MANE Select); coding-DNA position 959, G replaced by C.
Protein change: p.Arg320Pro; replaces arginine 320 with proline.
Molecular consequence: missense variant.
Genome position (GRCh38, 1-based): chrX:38,411,953, G>C. VCF-style: chrX-38411953-G-C. GRCh37 (hg19) VCF-style: chrX-38271206-G-C.
Other names: short protein forms R320P.
Identifiers: ClinVar variation 935343 (VCV000935343.12), dbSNP rs72558474, ClinGen allele CA412726530.

ClinVar aggregate classification (germline): Pathogenic. Review status: criteria provided, single submitter (1 of 4 stars). 2 submissions from 2 submitters: Pathogenic (1). 1 of the submissions does not count toward it. Last evaluated 2019-07-15.

Conditions:
Ornithine carbamoyltransferase deficiency (OTCD). Also called: ORNITHINE TRANSCARBAMYLASE DEFICIENCY; ORNITHINE TRANSCARBAMYLASE DEFICIENCY, HYPERAMMONEMIA DUE TO; OTC DEFICIENCY; Ornithine Carbamoyltransferase Deficiency Disease. Identifiers: Orphanet 664, MedGen C0268542, MONDO:0010703, OMIM 311250.

Submissions (2):

Labcorp Genetics (formerly Invitae), Labcorp
Classification: Pathogenic for Ornithine carbamoyltransferase deficiency. Last evaluated: 2019-07-15. Review status: criteria provided, single submitter. Criteria: Invitae Variant Classification Sherloc (09022015). Collection method: clinical testing. Allele origin: germline.
Comment: This sequence change replaces arginine with proline at codon 320 of the OTC protein (p.Arg320Pro). The arginine residue is highly conserved and there is a moderate physicochemical difference between arginine and proline. This variant is not present in population databases (ExAC no frequency). For these reasons, this variant has been classified as Pathogenic. Algorithms developed to predict the effect of missense changes on protein structure and function (SIFT, PolyPhen-2, Align-GVGD) all suggest that this variant is likely to be disruptive, but these predictions have not been confirmed by published functional studies and their clinical significance is uncertain. This variant disrupts the p.Arg320 amino acid residue in OTC. Other variant(s) that disrupt this residue have been observed in individuals with OTC-related conditions (PMID: 1671317), which suggests that this may be a clinically significant amino acid residue.

Hainan Provincial Key Laboratory for Human Reproductive Medicine and Genetic Research
Classification: Pathogenic for Ornithine carbamoyltransferase deficiency. Review status: no assertion criteria provided. Collection method: clinical testing. Allele origin: maternal. Inheritance: X-linked recessive inheritance. Affected: yes. Observed: 1 homozygote. Not counted in ClinVar's aggregate classification.

Literature cited by the submitters: PubMed 1671317 (cited by Labcorp Genetics (formerly Invitae), Labcorp).